The following is an entry in ClinVar:

NM_001079559.3(HNRNPUL2):c.642C>A (p.Tyr214Ter)

Genes: HNRNPUL2 (heterogeneous nuclear ribonucleoprotein U like 2; minus strand), HNRNPUL2-BSCL2 (HNRNPUL2-BSCL2 readthrough (NMD candidate); minus strand). Cytogenetic location: 11q12.3.
Variant type: single nucleotide variant.
Coding change: c.642C>A on transcript NM_001079559.3 (MANE Select); coding-DNA position 642, C replaced by A.
Protein change: p.Tyr214Ter; replaces tyrosine 214 with a stop codon.
Molecular consequence: nonsense. On other transcripts: non-coding transcript variant (1).
Genome position (GRCh38, 1-based): chr11:62,724,323, G>T on the plus strand (C>A on the coding strand, the complement: HNRNPUL2 is on the minus strand). VCF-style: chr11-62724323-G-T. GRCh37 (hg19) VCF-style: chr11-62491795-G-T.
Identifiers: ClinVar variation 690303 (VCV000690303.2), dbSNP rs1590900583, ClinGen allele CA380989106.

ClinVar aggregate classification (germline): Uncertain significance (1 of 4 stars; one submission).

Submission:

HudsonAlpha Institute for Biotechnology
Classification: Uncertain significance. Last evaluated: 2019-07-11. Review status: criteria provided, single submitter. Criteria: ACMG Guidelines, 2015. Collection method: research. Allele origin: de novo. Observed: 1 variant allele. Study: CSER-SouthSeq.
Comment: ACMG codes: PM2